The following is an entry in ClinVar:

NM_152713.5(STT3A):c.1213C>T (p.Arg405Cys)

Gene: STT3A (STT3 oligosaccharyltransferase complex catalytic subunit A; plus strand). Cytogenetic location: 11q24.2.
Variant type: single nucleotide variant.
Coding change: c.1213C>T on transcript NM_152713.5 (MANE Select); coding-DNA position 1213, C replaced by T.
Protein change: p.Arg405Cys; replaces arginine 405 with cysteine.
Molecular consequence: missense variant.
Genome position (GRCh38, 1-based): chr11:125,612,595, C>T. VCF-style: chr11-125612595-C-T. GRCh37 (hg19) VCF-style: chr11-125482490-C-T.
Other names: c.1213C>T, p.Arg405Cys (NM_001278503.2); c.937C>T, p.Arg313Cys (NM_001278504.2); short protein forms R405C, R313C.
Identifiers: ClinVar variation 1334780 (VCV001334780.4), dbSNP rs2135938300, ClinGen allele CA383185524.

ClinVar aggregate classification (germline): Pathogenic/Likely pathogenic. Review status: criteria provided, multiple submitters, no conflicts (2 of 4 stars). 4 submissions from 4 submitters: Pathogenic (2); Likely pathogenic (1). 1 of the submissions does not count toward it. Last evaluated 2025-08-12.

Conditions:
Congenital disorder of glycosylation, type Iw, autosomal dominant (CDG1WAD). Identifiers: MedGen C5562068, MONDO:0859223, OMIM 619714.

Submissions (4):

GeneDx
Classification: Likely pathogenic. Last evaluated: 2025-08-12. Review status: criteria provided, single submitter. Criteria: GeneDx Variant Classification Process June 2021. Collection method: clinical testing. Allele origin: germline. Affected: yes.
Comment: Not observed at significant frequency in large population cohorts (gnomAD); In silico analysis supports that this missense variant has a deleterious effect on protein structure/function; This variant is associated with the following publications: (PMID: 34653363)

Labcorp Genetics (formerly Invitae), Labcorp
Classification: Pathogenic. Last evaluated: 2024-05-18. Review status: criteria provided, single submitter. Criteria: Invitae Variant Classification Sherloc (09022015). Collection method: clinical testing. Allele origin: germline.
Comment: This sequence change replaces arginine, which is basic and polar, with cysteine, which is neutral and slightly polar, at codon 405 of the STT3A protein (p.Arg405Cys). This variant is not present in population databases (gnomAD no frequency). This missense change has been observed in individual(s) with autosomal dominant STT3A-related conditions (PMID: 34653363). In at least one individual the variant was observed to be de novo. ClinVar contains an entry for this variant (Variation ID: 1334780). Advanced modeling of protein sequence and biophysical properties (such as structural, functional, and spatial information, amino acid conservation, physicochemical variation, residue mobility, and thermodynamic stability) performed at Invitae indicates that this missense variant is expected to disrupt STT3A protein function with a positive predictive value of 80%. For these reasons, this variant has been classified as Pathogenic.

SIB Swiss Institute of Bioinformatics
Classification: Pathogenic for Congenital disorder of glycosylation, type Iw, autosomal dominant. Last evaluated: 2022-06-16. Review status: criteria provided, single submitter. Criteria: ACMG Guidelines, 2015. Collection method: curation. Allele origin: unknown.
Comment: This variant is interpreted as pathogenic for congenital disorder of glycosylation 1W, autosomal dominant. The following ACMG Tag(s) were applied: Absent from controls (or at extremely low frequency if recessive) in Exome Sequencing Project, 1000 Genomes Project, or Exome Aggregation Consortium (PM2); De novo paternity and maternity confirmed (PS2); Prevalence in affected individuals statistically increased over controls (PS4 downgraded to supporting); Multiple lines of computational evidence support a deleterious effect on the gene or gene product (PP3); Well-established functional studies show a deleterious effect (PS3 downgraded to moderate).

OMIM
Classification: Pathogenic for CONGENITAL DISORDER OF GLYCOSYLATION, TYPE Iw, AUTOSOMAL DOMINANT. Last evaluated: 2022-01-20. Review status: no assertion criteria provided. Collection method: literature only. Allele origin: germline. Not counted in ClinVar's aggregate classification.

Literature cited by the submitters: PubMed 34653363 (cited by 3 submitters).